The following is an entry in ClinVar:

ClinVar aggregate classification (germline): Pathogenic (1 of 4 stars; one submission).

Allele frequency attached by ClinVar (database versions not stated): gnomAD exomes below 0.00001; gnomAD 0.00001; TOPMed 0.00001.

Submission:

Labcorp Genetics (formerly Invitae), Labcorp
Classification: Pathogenic. Last evaluated: 2023-11-09. Review status: criteria provided, single submitter. Criteria: Invitae Variant Classification Sherloc (09022015). Collection method: clinical testing. Allele origin: germline.
Comment: This sequence change creates a premature translational stop signal (p.Trp419*) in the FMO3 gene. While this is not anticipated to result in nonsense mediated decay, it is expected to disrupt the last 114 amino acid(s) of the FMO3 protein. This variant is not present in population databases (gnomAD no frequency). This variant has not been reported in the literature in individuals affected with FMO3-related conditions. Algorithms developed to predict the effect of sequence changes on RNA splicing suggest that this variant may disrupt the consensus splice site. This variant disrupts a region of the FMO3 protein in which other variant(s) (p.Arg500*) have been determined to be pathogenic (PMID: 16858129, 16996766). This suggests that this is a clinically significant region of the protein, and that variants that disrupt it are likely to be disease-causing. For these reasons, this variant has been classified as Pathogenic.

Literature cited by the submitters: PubMed 16858129; PubMed 16996766.

NM_001002294.3(FMO3):c.1257G>A (p.Trp419Ter)

Gene: FMO3 (flavin containing dimethylaniline monoxygenase 3; plus strand). Cytogenetic location: 1q24.3.
Variant type: single nucleotide variant.
Coding change: c.1257G>A on transcript NM_001002294.3 (MANE Select); coding-DNA position 1257, G replaced by A.
Protein change: p.Trp419Ter; replaces tryptophan 419 with a stop codon.
Molecular consequence: nonsense.
Genome position (GRCh38, 1-based): chr1:171,117,100, G>A. VCF-style: chr1-171117100-G-A. GRCh37 (hg19) VCF-style: chr1-171086240-G-A.
Other names: c.1197G>A, p.Trp399Ter (NM_001319173.2); c.1068G>A, p.Trp356Ter (NM_001319174.2); c.1257G>A, p.Trp419Ter (NM_006894.6); short protein forms W399*, W419*, W356*.
Identifiers: ClinVar variation 2764607 (VCV002764607.3), dbSNP rs997855293, ClinGen allele CA32506461.
Genomic context (GRCh38, chr1:171,117,100, plus strand): 5'-CTGTTCTGTTTCTACACAGAGTTTGGGTATCCACAGTGGTGTTTTCTCTCCCATCTCCAG[G>A]TTTGGCAAAAGCGAGACCATACAGACAGATTACATTGTTTATATGGATGAACTCTCCTCC-3'